The following is an entry in ClinVar:

NM_019066.5(MAGEL2):c.2256del (p.Phe752fs)

Gene: MAGEL2 (MAGE family member L2; minus strand). Cytogenetic location: 15q11.2.
Variant type: Deletion.
Coding change: c.2256del on transcript NM_019066.5 (MANE Select); coding-DNA position 2256, one base deleted (T; older notation c.2256delT).
Protein change: p.Phe752fs; shifts the reading frame from phenylalanine 752.
Molecular consequence: frameshift variant.
Genome position (GRCh38, 1-based): chr15:23,645,487, A deleted on the plus strand (T on the coding strand, the reverse complement: MAGEL2 is on the minus strand); the first of 3 consecutive A bases (chr15:23,645,487-23,645,489); deleting any one gives the same sequence. VCF-style (leftmost placement, unchanged base first): chr15-23645486-CA-C. GRCh37 (hg19) VCF-style: chr15-23890633-CA-C.
Other names: short protein forms F752fs.
Identifiers: ClinVar variation 4997201 (VCV004997201.1).

ClinVar aggregate classification (germline): Likely pathogenic (1 of 4 stars; one submission).

Conditions:
MAGEL2-related disorder. Also called: MAGEL2-related condition.

Submission:

PreventionGenetics, part of Exact Sciences
Classification: Likely pathogenic for MAGEL2-related condition. Last evaluated: 2025-03-21. Review status: criteria provided, single submitter. Criteria: ACMG Guidelines, 2015. Collection method: clinical testing. Allele origin: germline.
Comment: The MAGEL2 c.2256delT variant is predicted to result in a frameshift and premature protein termination (p.Phe752Leufs*50). To our knowledge, this variant has not been reported in the literature or in a large population database (gnomAD), indicating this variant is rare. Frameshift variants in MAGEL2 are expected to be pathogenic. This variant is interpreted as likely pathogenic.